The following is an entry in ClinVar:

ClinVar aggregate classification (germline): Uncertain significance (1 of 4 stars; one submission).

Allele frequency attached by ClinVar (database versions not stated): gnomAD exomes below 0.00001; gnomAD 0.00003; TOPMed 0.00003.
gnomAD v4.1: 7 of 1,614,114 alleles (0.00043%); highest among the groups gnomAD compares: African/African-American, 0.0093%; no homozygotes.

Submission:

Labcorp Genetics (formerly Invitae), Labcorp
Classification: Uncertain significance. Last evaluated: 2022-03-28. Review status: criteria provided, single submitter. Criteria: Invitae Variant Classification Sherloc (09022015). Collection method: clinical testing. Allele origin: germline.
Comment: In summary, the available evidence is currently insufficient to determine the role of this variant in disease. Therefore, it has been classified as a Variant of Uncertain Significance. Algorithms developed to predict the effect of missense changes on protein structure and function are either unavailable or do not agree on the potential impact of this missense change (SIFT: "Tolerated"; PolyPhen-2: "Possibly Damaging"; Align-GVGD: "Class C0"). This variant has not been reported in the literature in individuals affected with AHR-related conditions. This variant is not present in population databases (gnomAD no frequency). This sequence change replaces histidine, which is basic and polar, with proline, which is neutral and non-polar, at codon 511 of the AHR protein (p.His511Pro).

NM_001621.5(AHR):c.1532A>C (p.His511Pro)

Gene: AHR (aryl hydrocarbon receptor; plus strand). Cytogenetic location: 7p21.1.
Variant type: single nucleotide variant.
Coding change: c.1532A>C on transcript NM_001621.5 (MANE Select); coding-DNA position 1532, A replaced by C.
Protein change: p.His511Pro; replaces histidine 511 with proline.
Molecular consequence: missense variant.
Genome position (GRCh38, 1-based): chr7:17,339,357, A>C. VCF-style: chr7-17339357-A-C. GRCh37 (hg19) VCF-style: chr7-17378981-A-C.
Other names: short protein forms H511P.
Identifiers: ClinVar variation 1933680 (VCV001933680.3), dbSNP rs1158622502, ClinGen allele CA366894360.